The following is an entry in ClinVar:

ClinVar aggregate classification (germline): Uncertain significance (1 of 4 stars; one submission).

Submission:

Labcorp Genetics (formerly Invitae), Labcorp
Classification: Uncertain significance. Last evaluated: 2025-09-16. Review status: criteria provided, single submitter. Criteria: Invitae Variant Classification Sherloc (09022015). Collection method: clinical testing. Allele origin: germline.
Comment: This sequence change replaces alanine, which is neutral and non-polar, with threonine, which is neutral and polar, at codon 1007 of the POLE protein (p.Ala1007Thr). This variant is not present in population databases (gnomAD no frequency). This variant has not been reported in the literature in individuals affected with POLE-related conditions. ClinVar contains an entry for this variant (Variation ID: 1480868). Invitae Evidence Modeling of protein sequence and biophysical properties (such as structural, functional, and spatial information, amino acid conservation, physicochemical variation, residue mobility, and thermodynamic stability) indicates that this missense variant is expected to disrupt POLE protein function with a positive predictive value of 80%. In summary, the available evidence is currently insufficient to determine the role of this variant in disease. Therefore, it has been classified as a Variant of Uncertain Significance.

NM_006231.4(POLE):c.3019G>A (p.Ala1007Thr)

Gene: POLE (DNA polymerase epsilon, catalytic subunit; minus strand). Cytogenetic location: 12q24.33.
Variant type: single nucleotide variant.
Coding change: c.3019G>A on transcript NM_006231.4 (MANE Select); coding-DNA position 3019, G replaced by A.
Protein change: p.Ala1007Thr; replaces alanine 1007 with threonine.
Molecular consequence: missense variant.
Genome position (GRCh38, 1-based): chr12:132,661,010, C>T on the plus strand (G>A on the coding strand, the complement: POLE is on the minus strand). VCF-style: chr12-132661010-C-T. GRCh37 (hg19) VCF-style: chr12-133237596-C-T.
Other names: short protein forms A1007T.
Identifiers: ClinVar variation 1480868 (VCV001480868.6), dbSNP rs747692201, ClinGen allele CA387392273.